The following is an entry in ClinVar:

ClinVar aggregate classification (germline): Uncertain significance. Review status: criteria provided, multiple submitters, no conflicts (2 of 4 stars). 2 submissions from 2 submitters: Uncertain significance (2). Last evaluated 2022-08-08.

Allele frequency attached by ClinVar (database versions not stated): 1000 Genomes Project 0.00020; ExAC 0.00002; 1000 Genomes Project 30x 0.00031; TOPMed 0.00001; gnomAD exomes 0.00002.

Submissions (2):

Labcorp Genetics (formerly Invitae), Labcorp
Classification: Uncertain significance. Last evaluated: 2022-08-08. Review status: criteria provided, single submitter. Criteria: Invitae Variant Classification Sherloc (09022015). Collection method: clinical testing. Allele origin: germline.
Comment: This sequence change replaces tyrosine, which is neutral and polar, with cysteine, which is neutral and slightly polar, at codon 148 of the TUBGCP6 protein (p.Tyr148Cys). This variant is present in population databases (rs73187278, gnomAD 0.004%). This variant has not been reported in the literature in individuals affected with TUBGCP6-related conditions. ClinVar contains an entry for this variant (Variation ID: 972631). Algorithms developed to predict the effect of missense changes on protein structure and function are either unavailable or do not agree on the potential impact of this missense change (SIFT: "Deleterious"; PolyPhen-2: "Probably Damaging"; Align-GVGD: "Class C0"). In summary, the available evidence is currently insufficient to determine the role of this variant in disease. Therefore, it has been classified as a Variant of Uncertain Significance.

Breakthrough Genomics
Classification: Uncertain significance. Review status: criteria provided, single submitter. Criteria: ACMG Guidelines, 2015. Collection method: not provided. Allele origin: germline. Inheritance: Autosomal dominant inheritance. Affected: yes.

NM_020461.4(TUBGCP6):c.443A>G (p.Tyr148Cys)

Gene: TUBGCP6 (tubulin gamma complex component 6; minus strand). Cytogenetic location: 22q13.33.
Variant type: single nucleotide variant.
Coding change: c.443A>G on transcript NM_020461.4 (MANE Select); coding-DNA position 443, A replaced by G.
Protein change: p.Tyr148Cys; replaces tyrosine 148 with cysteine.
Molecular consequence: missense variant.
Genome position (GRCh38, 1-based): chr22:50,244,017, T>C on the plus strand (A>G on the coding strand, the complement: TUBGCP6 is on the minus strand). VCF-style: chr22-50244017-T-C. GRCh37 (hg19) VCF-style: chr22-50682446-T-C.
Other names: short protein forms Y148C.
Identifiers: ClinVar variation 972631 (VCV000972631.6), dbSNP rs73187278, ClinGen allele CA10309056.